The following is an entry in ClinVar:

ClinVar aggregate classification (germline): Uncertain significance. Review status: criteria provided, multiple submitters, no conflicts (2 of 4 stars). 2 submissions from 2 submitters: Uncertain significance (2). Last evaluated 2026-07-14.

Conditions:
Inborn genetic diseases. Identifiers: MedGen C0950123, MeSH D030342.
Neuropathy, hereditary sensory and autonomic, type 2A (HSAN2A). Also called: MORVAN DISEASE; NEUROPATHY, CONGENITAL SENSORY; NEUROPATHY, HEREDITARY SENSORY RADICULAR, AUTOSOMAL RECESSIVE; NEUROPATHY, HEREDITARY SENSORY, TYPE IIA; NEUROPATHY, PROGRESSIVE SENSORY, OF CHILDREN; ACROOSTEOLYSIS, GIACCAI TYPE. Identifiers: Orphanet 970, MedGen C2752089, MONDO:0024309, OMIM 201300.
Generalized epilepsy with febrile seizures plus, type 7 (GEFSP7). Also called: GEFS+, TYPE 7. Identifiers: Orphanet 36387, MedGen C2751778, MONDO:0013470, OMIM 613863.

Allele frequency attached by ClinVar (database versions not stated): gnomAD 0.00001.
gnomAD v4.1: 1 of 1,592,542 alleles (0.000063%); highest among the groups gnomAD compares: African/African-American, 0.0013%; no homozygotes.

Submissions (2):

Ambry Genetics
Classification: Uncertain significance for Inborn genetic diseases. Last evaluated: 2026-07-14. Review status: criteria provided, single submitter. Criteria: Ambry Variant Classification Scheme 2023. Collection method: clinical testing. Allele origin: germline.

Labcorp Genetics (formerly Invitae), Labcorp
Classification: Uncertain significance for Neuropathy, hereditary sensory and autonomic, type 2A; Generalized epilepsy with febrile seizures plus, type 7. Last evaluated: 2023-07-11. Review status: criteria provided, single submitter. Criteria: Invitae Variant Classification Sherloc (09022015). Collection method: clinical testing. Allele origin: germline.
Comment: ClinVar contains an entry for this variant (Variation ID: 961179). Advanced modeling of protein sequence and biophysical properties (such as structural, functional, and spatial information, amino acid conservation, physicochemical variation, residue mobility, and thermodynamic stability) has been performed at Invitae for this missense variant, however the output from this modeling did not meet the statistical confidence thresholds required to predict the impact of this variant on SCN9A protein function. In summary, the available evidence is currently insufficient to determine the role of this variant in disease. Therefore, it has been classified as a Variant of Uncertain Significance. This variant has not been reported in the literature in individuals affected with SCN9A-related conditions. This sequence change replaces isoleucine, which is neutral and non-polar, with asparagine, which is neutral and polar, at codon 712 of the SCN9A protein (p.Ile712Asn). This variant is not present in population databases (gnomAD no frequency).

NM_001365536.1(SCN9A):c.2168T>A (p.Ile723Asn)

Genes: SCN1A-AS1 (SCN1A and SCN9A antisense RNA 1; plus strand), SCN9A (sodium voltage-gated channel alpha subunit 9; minus strand). Cytogenetic location: 2q24.3.
Variant type: single nucleotide variant.
Coding change: c.2168T>A on transcript NM_001365536.1 (MANE Select); coding-DNA position 2168, T replaced by A.
Protein change: p.Ile723Asn; replaces isoleucine 723 with asparagine.
Molecular consequence: missense variant.
Genome position (GRCh38, 1-based): chr2:166,280,532, A>T on the plus strand (T>A on the coding strand, the complement: SCN9A is on the minus strand). VCF-style: chr2-166280532-A-T. GRCh37 (hg19) VCF-style: chr2-167137042-A-T.
Other names: c.2135T>A, p.Ile712Asn (NM_002977.4); short protein forms I712N, I723N.
Identifiers: ClinVar variation 961179 (VCV000961179.11), dbSNP rs1697433577, ClinGen allele CA349079816.
Genomic context (GRCh38, chr2:166,280,532, plus strand): 5'-TCCATTACAATAAAATAGATACACTTTTTGAATTTTATCCAATATGGAGAGCAATTCCAG[A>T]TCAAGAATTTGTGTGCAAATCTGTACCACCAAGGTGGACATTTTTGTCTGGACTCTTCAA-3'
Protein context (NP_001352465.1, residues 713-733): WWYRFAHKFL[Ile723Asn]WNCSPYWIKF